The following is an entry in ClinVar:

NM_174890.4(ZFAND4):c.1385G>A (p.Arg462Gln)

Gene: ZFAND4 (zinc finger AN1-type containing 4; minus strand). Cytogenetic location: 10q11.22.
Variant type: single nucleotide variant.
Coding change: c.1385G>A on transcript NM_174890.4 (MANE Select); coding-DNA position 1385, G replaced by A.
Protein change: p.Arg462Gln; replaces arginine 462 with glutamine.
Molecular consequence: missense variant.
Genome position (GRCh38, 1-based): chr10:45,626,438, C>T on the plus strand (G>A on the coding strand, the complement: ZFAND4 is on the minus strand). VCF-style: chr10-45626438-C-T. GRCh37 (hg19) VCF-style: chr10-46121886-C-T.
Other names: NC_000010.10:g.46121886C>T; c.1385G>A, p.Arg462Gln (NM_001128324.2); c.1163G>A, p.Arg388Gln (NM_001282905.1, NM_001282906.1); short protein forms R388Q, R462Q.
Identifiers: ClinVar variation 2640424 (VCV002640424.25), dbSNP rs41299230, ClinGen allele CA5482098.

ClinVar aggregate classification (germline): Likely benign (1 of 4 stars; one submission).

Allele frequency attached by ClinVar (database versions not stated): 1000 Genomes Project 30x 0.00328; 1000 Genomes Project 0.00359; TOPMed 0.00434; ESP Exome Variant Server 0.00484; gnomAD 0.00659; ExAC 0.00710.
gnomAD v4.1: 13,584 of 1,613,694 alleles (0.84%); highest among the groups gnomAD compares: Non-Finnish European, 0.93%; 80 homozygotes.

Submissions (16):

CeGaT Center for Human Genetics Tuebingen
Classification: Likely benign. Last evaluated: 2023-01-01. Review status: criteria provided, single submitter. Criteria: CeGaT Center For Human Genetics Tuebingen Variant Classification Criteria Version 2. Collection method: clinical testing. Allele origin: germline. Affected: yes. Observed: 1 variant allele.
Comment: ZFAND4: BP4, BS2

Dr. Peter K. Rogan Lab, Western University
No classification provided (evidence only). Condition: Lung cancer. Review status: no classification provided. Collection method: in vitro. Allele origin: not applicable. Functional consequence: retained intron. Not counted in ClinVar's aggregate classification.

Dr. Peter K. Rogan Lab, Western University
No classification provided (evidence only). Condition: Lung cancer. Review status: no classification provided. Collection method: in vitro. Allele origin: not applicable. Functional consequence: retained intron. Not counted in ClinVar's aggregate classification.

Dr. Peter K. Rogan Lab, Western University
No classification provided (evidence only). Condition: Lung cancer. Review status: no classification provided. Collection method: in vitro. Allele origin: not applicable. Functional consequence: retained intron. Not counted in ClinVar's aggregate classification.

Dr. Peter K. Rogan Lab, Western University
No classification provided (evidence only). Condition: Melanoma. Review status: no classification provided. Collection method: in vitro. Allele origin: not applicable. Functional consequence: skipped exon. Not counted in ClinVar's aggregate classification.

Dr. Peter K. Rogan Lab, Western University
No classification provided (evidence only). Condition: Melanoma. Review status: no classification provided. Collection method: in vitro. Allele origin: not applicable. Functional consequence: retained intron. Not counted in ClinVar's aggregate classification.

Dr. Peter K. Rogan Lab, Western University
No classification provided (evidence only). Condition: Acute myeloid leukemia. Review status: no classification provided. Collection method: in vitro. Allele origin: not applicable. Functional consequence: retained intron. Not counted in ClinVar's aggregate classification.

Dr. Peter K. Rogan Lab, Western University
No classification provided (evidence only). Condition: Colorectal cancer. Review status: no classification provided. Collection method: in vitro. Allele origin: not applicable. Functional consequence: skipped exon. Not counted in ClinVar's aggregate classification.

Dr. Peter K. Rogan Lab, Western University
No classification provided (evidence only). Condition: Thyroid cancer, nonmedullary, 1. Review status: no classification provided. Collection method: in vitro. Allele origin: not applicable. Functional consequence: skipped exon. Not counted in ClinVar's aggregate classification.

Dr. Peter K. Rogan Lab, Western University
No classification provided (evidence only). Condition: Uterine corpus endometrial carcinoma. Review status: no classification provided. Collection method: in vitro. Allele origin: not applicable. Functional consequence: retained intron. Not counted in ClinVar's aggregate classification.

Dr. Peter K. Rogan Lab, Western University
No classification provided (evidence only). Condition: Cervical cancer. Review status: no classification provided. Collection method: in vitro. Allele origin: not applicable. Functional consequence: retained intron. Not counted in ClinVar's aggregate classification.

Dr. Peter K. Rogan Lab, Western University
No classification provided (evidence only). Condition: Malignant lymphoma, large B-cell, diffuse. Review status: no classification provided. Collection method: in vitro. Allele origin: not applicable. Functional consequence: skipped exon. Not counted in ClinVar's aggregate classification.

Dr. Peter K. Rogan Lab, Western University
No classification provided (evidence only). Condition: Ovarian serous cystadenocarcinoma. Review status: no classification provided. Collection method: in vitro. Allele origin: not applicable. Functional consequence: retained intron. Not counted in ClinVar's aggregate classification.

Dr. Peter K. Rogan Lab, Western University
No classification provided (evidence only). Condition: Gastric cancer. Review status: no classification provided. Collection method: in vitro. Allele origin: not applicable. Functional consequence: retained intron. Not counted in ClinVar's aggregate classification.

Dr. Peter K. Rogan Lab, Western University
No classification provided (evidence only). Condition: Gastric cancer. Review status: no classification provided. Collection method: in vitro. Allele origin: not applicable. Functional consequence: retained intron. Not counted in ClinVar's aggregate classification.

Dr. Peter K. Rogan Lab, Western University
No classification provided (evidence only). Condition: Gastric cancer. Review status: no classification provided. Collection method: in vitro. Allele origin: not applicable. Functional consequence: retained intron. Not counted in ClinVar's aggregate classification.